The following is an entry in ClinVar:

NM_153676.4(USH1C):c.2485G>A (p.Gly829Ser)

Gene: USH1C (USH1 protein network component harmonin; minus strand). Cytogenetic location: 11p15.1.
Variant type: single nucleotide variant.
Coding change: c.2485G>A on transcript NM_153676.4 (MANE Select); coding-DNA position 2485, G replaced by A.
Protein change: p.Gly829Ser; replaces glycine 829 with serine.
Molecular consequence: missense variant. On other transcripts: non-coding transcript variant (1).
Genome position (GRCh38, 1-based): chr11:17,498,167, C>T on the plus strand (G>A on the coding strand, the complement: USH1C is on the minus strand). VCF-style: chr11-17498167-C-T. GRCh37 (hg19) VCF-style: chr11-17519714-C-T.
Other names: c.1528G>A, p.Gly510Ser (NM_001297764.2); c.1585G>A, p.Gly529Ser (NM_005709.4); short protein forms G510S, G529S, G829S.
Identifiers: ClinVar variation 1006550 (VCV001006550.4), dbSNP rs1849306526, ClinGen allele CA379800331.

ClinVar aggregate classification (germline): Uncertain significance (1 of 4 stars; one submission).

Submission:

Labcorp Genetics (formerly Invitae), Labcorp
Classification: Uncertain significance. Last evaluated: 2022-07-05. Review status: criteria provided, single submitter. Criteria: Invitae Variant Classification Sherloc (09022015). Collection method: clinical testing. Allele origin: germline.
Comment: This variant has not been reported in the literature in individuals affected with USH1C-related conditions. This variant is not present in population databases (gnomAD no frequency). This sequence change replaces glycine, which is neutral and non-polar, with serine, which is neutral and polar, at codon 529 of the USH1C protein (p.Gly529Ser). ClinVar contains an entry for this variant (Variation ID: 1006550). In summary, the available evidence is currently insufficient to determine the role of this variant in disease. Therefore, it has been classified as a Variant of Uncertain Significance. Algorithms developed to predict the effect of missense changes on protein structure and function are either unavailable or do not agree on the potential impact of this missense change (SIFT: "Deleterious"; PolyPhen-2: "Probably Damaging"; Align-GVGD: "Class C0").